The following is an entry in ClinVar:

NM_006073.4(TRDN):c.1597+10G>T

Gene: TRDN (triadin; minus strand). Cytogenetic location: 6q22.31.
Variant type: single nucleotide variant.
Coding change: c.1597+10G>T on transcript NM_006073.4 (MANE Select); 10 bases into the intron after coding-DNA position 1597, G replaced by T.
Molecular consequence: intron variant.
Genome position (GRCh38, 1-based): chr6:123,274,631, C>A on the plus strand (G>T on the coding strand, the complement: TRDN is on the minus strand). VCF-style: chr6-123274631-C-A. GRCh37 (hg19) VCF-style: chr6-123595776-C-A.
Other names: c.1597+10G>T (NM_006073.3).
Identifiers: ClinVar variation 1125491 (VCV001125491.11), dbSNP rs150165710, ClinGen allele CA3983848.

ClinVar aggregate classification (germline): Likely benign. Review status: criteria provided, multiple submitters, no conflicts (2 of 4 stars). 2 submissions from 2 submitters: Likely benign (2). Last evaluated 2026-01-02.

Conditions:
TRDN-related disorder. Also called: TRDN-related condition.
Catecholaminergic polymorphic ventricular tachycardia 1. Also called: VENTRICULAR TACHYCARDIA, CATECHOLAMINERGIC POLYMORPHIC, 1, WITH OR WITHOUT ATRIAL DYSFUNCTION AND/OR DILATED CARDIOMYOPATHY; RYR2-Related Catecholaminergic Polymorphic Ventricular Tachycardia; VENTRICULAR TACHYCARDIA, STRESS-INDUCED POLYMORPHIC 1. Identifiers: Orphanet 3286, MedGen C1631597, MONDO:0011484, OMIM 604772.

Allele frequency attached by ClinVar (database versions not stated): TOPMed 0.00006; 1000 Genomes Project 30x 0.00047; gnomAD 0.00001.
gnomAD v4.1: 23 of 1,605,314 alleles (0.0014%); highest among the groups gnomAD compares: Admixed American, 0.039%; no homozygotes.

Submissions (2):

PreventionGenetics, part of Exact Sciences
Classification: Likely benign for TRDN-related condition. Last evaluated: 2026-01-02. Review status: criteria provided, single submitter. Criteria: ACMG Guidelines, 2015. Collection method: clinical testing. Allele origin: germline.
Comment: This variant is classified as likely benign based on ACMG/AMP sequence variant interpretation guidelines (Richards et al. 2015 PMID: 25741868, with internal and published modifications).

Labcorp Genetics (formerly Invitae), Labcorp
Classification: Likely benign for Catecholaminergic polymorphic ventricular tachycardia 1. Last evaluated: 2025-07-25. Review status: criteria provided, single submitter. Criteria: Invitae Variant Classification Sherloc (09022015). Collection method: clinical testing. Allele origin: germline.